The following is an entry in ClinVar:

NM_182961.4(SYNE1):c.8188T>G (p.Ser2730Ala)

Gene: SYNE1 (spectrin repeat containing nuclear envelope protein 1; minus strand). Cytogenetic location: 6q25.2.
Variant type: single nucleotide variant.
Coding change: c.8188T>G on transcript NM_182961.4 (MANE Select); coding-DNA position 8188, T replaced by G.
Protein change: p.Ser2730Ala; replaces serine 2730 with alanine.
Molecular consequence: missense variant.
Genome position (GRCh38, 1-based): chr6:152,387,371, A>C on the plus strand (T>G on the coding strand, the complement: SYNE1 is on the minus strand). VCF-style: chr6-152387371-A-C. GRCh37 (hg19) VCF-style: chr6-152708506-A-C.
Other names: c.8209T>G, p.Ser2737Ala (NM_033071.5); short protein forms S2730A, S2737A.
Identifiers: ClinVar variation 285300 (VCV000285300.29), dbSNP rs886043069, ClinGen allele CA10605069.

ClinVar aggregate classification (germline): Uncertain significance. Review status: criteria provided, multiple submitters, no conflicts (2 of 4 stars). 2 submissions from 2 submitters: Uncertain significance (2). Last evaluated 2026-02-01.

Allele frequency attached by ClinVar (database versions not stated): TOPMed 0.00001.

Submissions (2):

CeGaT Center for Human Genetics Tuebingen
Classification: Uncertain significance. Last evaluated: 2026-02-01. Review status: criteria provided, single submitter. Criteria: CeGaT Center For Human Genetics Tuebingen Variant Classification Criteria Version 2. Collection method: clinical testing. Allele origin: germline. Affected: yes. Observed: 1 variant allele.
Comment: SYNE1: PM2, BP4

Eurofins Ntd Llc (ga)
Classification: Uncertain significance. Last evaluated: 2015-12-17. Review status: criteria provided, single submitter. Criteria: EGL Classification Definitions 2015. Collection method: clinical testing. Allele origin: germline. Observed: 1 variant allele, 1 heterozygote.